The following is an entry in ClinVar:

NM_001369268.1(ACAN):c.7226C>A (p.Ala2409Asp)

Gene: ACAN (aggrecan; plus strand). Cytogenetic location: 15q26.1.
Variant type: single nucleotide variant.
Coding change: c.7226C>A on transcript NM_001369268.1 (MANE Select); coding-DNA position 7226, C replaced by A.
Protein change: p.Ala2409Asp; replaces alanine 2409 with aspartic acid.
Molecular consequence: missense variant.
Genome position (GRCh38, 1-based): chr15:88,872,009, C>A. VCF-style: chr15-88872009-C-A. GRCh37 (hg19) VCF-style: chr15-89415240-C-A.
Other names: c.6998C>A, p.Ala2333Asp (NM_001135.4, NM_001411096.1); c.7112C>A, p.Ala2371Asp (NM_001411097.1, NM_013227.4); short protein forms A2409D, A2333D, A2371D.
Identifiers: ClinVar variation 4721891 (VCV004721891.1).

ClinVar aggregate classification (germline): Uncertain significance (1 of 4 stars; one submission).

Submission:

Labcorp Genetics (formerly Invitae), Labcorp
Classification: Uncertain significance. Last evaluated: 2025-06-22. Review status: criteria provided, single submitter. Criteria: Invitae Variant Classification Sherloc (09022015). Collection method: clinical testing. Allele origin: germline.
Comment: This sequence change replaces alanine, which is neutral and non-polar, with aspartic acid, which is acidic and polar, at codon 2371 of the ACAN protein (p.Ala2371Asp). This variant is not present in population databases (gnomAD no frequency). This variant has not been reported in the literature in individuals affected with ACAN-related conditions. An algorithm developed to predict the effect of missense changes on protein structure and function (PolyPhen-2) suggests that this variant is likely to be disruptive. In summary, the available evidence is currently insufficient to determine the role of this variant in disease. Therefore, it has been classified as a Variant of Uncertain Significance.